The following is an entry in ClinVar:

NM_013266.4(CTNNA3):c.2261A>T (p.Asn754Ile)

Gene: CTNNA3 (catenin alpha 3; minus strand). Cytogenetic location: 10q21.3.
Variant type: single nucleotide variant.
Coding change: c.2261A>T on transcript NM_013266.4 (MANE Select); coding-DNA position 2261, A replaced by T.
Protein change: p.Asn754Ile; replaces asparagine 754 with isoleucine.
Molecular consequence: missense variant.
Genome position (GRCh38, 1-based): chr10:65,988,696, T>A on the plus strand (A>T on the coding strand, the complement: CTNNA3 is on the minus strand). VCF-style: chr10-65988696-T-A. GRCh37 (hg19) VCF-style: chr10-67748454-T-A.
Other names: c.2261A>T, p.Asn754Ile (NM_001127384.3); short protein forms N754I.
Identifiers: ClinVar variation 4779893 (VCV004779893.1).

ClinVar aggregate classification (germline): Uncertain significance (1 of 4 stars; one submission).

Conditions:
Arrhythmogenic right ventricular dysplasia 13. Also called: ARRHYTHMOGENIC RIGHT VENTRICULAR CARDIOMYOPATHY 13; Arrhythmogenic right ventricular dysplasia, familial, 13. Identifiers: MedGen C3810138, MONDO:0000908, OMIM 615616.

gnomAD v4.1: 4 of 1,612,760 alleles (0.00025%); highest among the groups gnomAD compares: Non-Finnish European, 0.00034%; no homozygotes.

Submission:

Labcorp Genetics (formerly Invitae), Labcorp
Classification: Uncertain significance for Arrhythmogenic right ventricular dysplasia 13. Last evaluated: 2025-08-17. Review status: criteria provided, single submitter. Criteria: Invitae Variant Classification Sherloc (09022015). Collection method: clinical testing. Allele origin: germline.
Comment: This sequence change replaces asparagine, which is neutral and polar, with isoleucine, which is neutral and non-polar, at codon 754 of the CTNNA3 protein (p.Asn754Ile). This variant is not present in population databases (gnomAD no frequency). This variant has not been reported in the literature in individuals affected with CTNNA3-related conditions. Invitae Evidence Modeling of protein sequence and biophysical properties (such as structural, functional, and spatial information, amino acid conservation, physicochemical variation, residue mobility, and thermodynamic stability) indicates that this missense variant is expected to disrupt CTNNA3 protein function with a positive predictive value of 80%. In summary, the available evidence is currently insufficient to determine the role of this variant in disease. Therefore, it has been classified as a Variant of Uncertain Significance.